The following is an entry in ClinVar:

ClinVar aggregate classification (germline): Uncertain significance (1 of 4 stars; one submission).

Submission:

GeneDx
Classification: Uncertain significance. Last evaluated: 2025-04-10. Review status: criteria provided, single submitter. Criteria: GeneDx Variant Classification Process June 2021. Collection method: clinical testing. Allele origin: germline. Affected: yes.
Comment: Not observed at significant frequency in large population cohorts (gnomAD); In silico analysis supports that this missense variant has a deleterious effect on protein structure/function; Has not been previously published as pathogenic or benign to our knowledge

NM_001373.1:c.7662G>T

Gene: DNAH14 (dynein axonemal heavy chain 14; plus strand).
Variant type: single nucleotide variant.
Identifiers: ClinVar variation 4281723 (VCV004281723.1).